The following is an entry in ClinVar:

ClinVar aggregate classification (germline): Uncertain significance (1 of 4 stars; one submission).

Conditions:
Charcot-Marie-Tooth disease type 2. Also called: Charcot-Marie-Tooth type 2. Identifiers: Orphanet 64746, MedGen C0270914, MONDO:0018993.

Allele frequency attached by ClinVar (database versions not stated): TOPMed 0.00002.
gnomAD v4.1: 2 of 1,614,008 alleles (0.00012%); highest among the groups gnomAD compares: African/African-American, 0.0027%; no homozygotes.

Submission:

Labcorp Genetics (formerly Invitae), Labcorp
Classification: Uncertain significance for Charcot-Marie-Tooth disease type 2. Last evaluated: 2024-03-20. Review status: criteria provided, single submitter. Criteria: Invitae Variant Classification Sherloc (09022015). Collection method: clinical testing. Allele origin: germline.
Comment: This sequence change replaces proline, which is neutral and non-polar, with serine, which is neutral and polar, at codon 278 of the AARS protein (p.Pro278Ser). This variant is present in population databases (no rsID available, gnomAD 0.01%). This variant has not been reported in the literature in individuals affected with AARS-related conditions. An algorithm developed to predict the effect of missense changes on protein structure and function (PolyPhen-2) suggests that this variant is likely to be tolerated. In summary, the available evidence is currently insufficient to determine the role of this variant in disease. Therefore, it has been classified as a Variant of Uncertain Significance.

NM_001605.3(AARS1):c.832C>T (p.Pro278Ser)

Gene: AARS1 (alanyl-tRNA synthetase 1; minus strand). Cytogenetic location: 16q22.1.
Variant type: single nucleotide variant.
Coding change: c.832C>T on transcript NM_001605.3 (MANE Select); coding-DNA position 832, C replaced by T.
Protein change: p.Pro278Ser; replaces proline 278 with serine.
Molecular consequence: missense variant.
Genome position (GRCh38, 1-based): chr16:70,269,748, G>A on the plus strand (C>T on the coding strand, the complement: AARS1 is on the minus strand). VCF-style: chr16-70269748-G-A. GRCh37 (hg19) VCF-style: chr16-70303651-G-A.
Other names: short protein forms P278S.
Identifiers: ClinVar variation 2802960 (VCV002802960.3), dbSNP rs1251770154, ClinGen allele CA396564911.
Genomic context (GRCh38, chr16:70,269,748, plus strand): 5'-GCACCCGGTAGGCCATGTCAATCCCATCGGCATCCTCAGCACCAACTTTCCCAGTGTATG[G>A]TCGGGCACCTGTGCCCTATAGATAAGAATCAGGAGGCAGCCCTTTAGGAAGCAGACTTTC-3'
Protein context (NP_001596.2, residues 268-288): EAIQKGTGAR[Pro278Ser]YTGKVGAEDA